The following is an entry in ClinVar:

NM_003612.5(SEMA7A):c.522G>A (p.Pro174=)

Gene: SEMA7A (semaphorin 7A (JohnMiltonHagen blood group); minus strand). Cytogenetic location: 15q24.1.
Variant type: single nucleotide variant.
Coding change: c.522G>A on transcript NM_003612.5 (MANE Select); coding-DNA position 522, G replaced by A.
Protein change: p.Pro174=; no amino-acid change (proline 174 retained).
Molecular consequence: synonymous variant.
Genome position (GRCh38, 1-based): chr15:74,417,619, C>T on the plus strand (G>A on the coding strand, the complement: SEMA7A is on the minus strand). VCF-style: chr15-74417619-C-T. GRCh37 (hg19) VCF-style: chr15-74709960-C-T.
Other names: c.480G>A, p.Pro160= (NM_001146029.3); c.27G>A, p.Pro9= (NM_001146030.3).
Identifiers: ClinVar variation 4990798 (VCV004990798.1).

ClinVar aggregate classification (germline): Likely benign (1 of 4 stars; one submission).

Conditions:
SEMA7A-related disorder. Also called: SEMA7A-related condition.

gnomAD v4.1: 28 of 1,612,728 alleles (0.0017%); highest among the groups gnomAD compares: South Asian, 0.021%; no homozygotes.

Submission:

PreventionGenetics, part of Exact Sciences
Classification: Likely benign for SEMA7A-related condition. Last evaluated: 2026-06-20. Review status: criteria provided, single submitter. Criteria: ACMG Guidelines, 2015. Collection method: clinical testing. Allele origin: germline.
Comment: This variant is classified as likely benign based on ACMG/AMP sequence variant interpretation guidelines (Richards et al. 2015 PMID: 25741868, with internal and published modifications).